The following is an entry in ClinVar:

NM_003482.4(KMT2D):c.13694C>T (p.Thr4565Met)

Gene: KMT2D (lysine methyltransferase 2D; minus strand). Cytogenetic location: 12q13.12.
Variant type: single nucleotide variant.
Coding change: c.13694C>T on transcript NM_003482.4 (MANE Select); coding-DNA position 13694, C replaced by T.
Protein change: p.Thr4565Met; replaces threonine 4565 with methionine.
Molecular consequence: missense variant.
Genome position (GRCh38, 1-based): chr12:49,030,746, G>A on the plus strand (C>T on the coding strand, the complement: KMT2D is on the minus strand). VCF-style: chr12-49030746-G-A. GRCh37 (hg19) VCF-style: chr12-49424529-G-A.
Other names: c.13694C>T (NM_003482.3); short protein forms T4565M.
Identifiers: ClinVar variation 1400573 (VCV001400573.11), dbSNP rs749198835, ClinGen allele CA6545923.

ClinVar aggregate classification (germline): Benign/Likely benign. Review status: criteria provided, multiple submitters, no conflicts (2 of 4 stars). 4 submissions from 4 submitters: Benign (1); Likely benign (2). 1 of the submissions does not count toward it. Last evaluated 2025-05-05.

Conditions:
Kabuki syndrome. Also called: NIIKAWA-KUROKI SYNDROME; Kabuki make-up syndrome. Identifiers: Orphanet 2322, MedGen C0796004, MONDO:0016512.
KMT2D-related disorder. Also called: KMT2D-Related Disorders.

Allele frequency attached by ClinVar (database versions not stated): TOPMed below 0.00001; gnomAD exomes 0.00002; ExAC 0.00003.

Submissions (4):

Labcorp Genetics (formerly Invitae), Labcorp
Classification: Benign for Kabuki syndrome. Last evaluated: 2025-05-05. Review status: criteria provided, single submitter. Criteria: Invitae Variant Classification Sherloc (09022015). Collection method: clinical testing. Allele origin: germline.

Laboratory of Genetics, Children's Clinical University Hospital Latvia
Classification: Likely benign. Last evaluated: 2025-02-16. Review status: criteria provided, single submitter. Criteria: ACMG Guidelines, 2015. Collection method: clinical testing. Allele origin: germline. Affected: yes.

Blueprint Genetics
Classification: Likely benign. Last evaluated: 2022-04-11. Review status: criteria provided, single submitter. Criteria: ACMG Guidelines, 2015. Collection method: clinical testing. Allele origin: germline.

PreventionGenetics, part of Exact Sciences
Classification: Uncertain significance for KMT2D-related condition. Last evaluated: 2024-06-24. Review status: no assertion criteria provided. Collection method: clinical testing. Allele origin: germline. Not counted in ClinVar's aggregate classification.
Comment: The KMT2D c.13694C>T variant is predicted to result in the amino acid substitution p.Thr4565Met. To our knowledge, this variant has not been reported in the literature. This variant is reported in 0.0056% of alleles in individuals of East Asian descent in gnomAD. At this time, the clinical significance of this variant is uncertain due to the absence of conclusive functional and genetic evidence.